The following is an entry in ClinVar:

ClinVar aggregate classification (germline): Likely benign (1 of 4 stars; one submission).

Allele frequency attached by ClinVar (database versions not stated): gnomAD 0.02880; TOPMed 0.03453; 1000 Genomes Project 30x 0.05075; 1000 Genomes Project 0.05371.
gnomAD v4.1: 4,940 of 152,262 alleles (3.2%); highest among the groups gnomAD compares: East Asian, 8.2%; 99 homozygotes.

Submission:

GeneDx
Classification: Likely benign. Last evaluated: 2018-06-16. Review status: criteria provided, single submitter. Criteria: GeneDx Variant Classification (06012015). Collection method: clinical testing. Allele origin: germline. Affected: yes.
Comment: This variant is considered likely benign or benign based on one or more of the following criteria: it is a conservative change, it occurs at a poorly conserved position in the protein, it is predicted to be benign by multiple in silico algorithms, and/or has population frequency not consistent with disease.

NM_182961.4(SYNE1):c.12351+303C>T

Gene: SYNE1 (spectrin repeat containing nuclear envelope protein 1; minus strand). Cytogenetic location: 6q25.2.
Variant type: single nucleotide variant.
Coding change: c.12351+303C>T on transcript NM_182961.4 (MANE Select); 303 bases into the intron after coding-DNA position 12351, C replaced by T.
Molecular consequence: intron variant.
Genome position (GRCh38, 1-based): chr6:152,338,938, G>A on the plus strand (C>T on the coding strand, the complement: SYNE1 is on the minus strand). VCF-style: chr6-152338938-G-A. GRCh37 (hg19) VCF-style: chr6-152660073-G-A.
Other names: c.12138+303C>T (NM_033071.5).
Identifiers: ClinVar variation 673424 (VCV000673424.1), dbSNP rs34056981, ClinGen allele CA12359447.